The following is an entry in ClinVar:

NM_005566.4(LDHA):c.810G>A (p.Val270=)

Gene: LDHA (lactate dehydrogenase A; plus strand). Cytogenetic location: 11p15.1.
Variant type: single nucleotide variant.
Coding change: c.810G>A on transcript NM_005566.4 (MANE Select); coding-DNA position 810, G replaced by A.
Protein change: p.Val270=; no amino-acid change (valine 270 retained).
Molecular consequence: synonymous variant. On other transcripts: non-coding transcript variant (1), intron variant (2).
Genome position (GRCh38, 1-based): chr11:18,405,548, G>A. VCF-style: chr11-18405548-G-A. GRCh37 (hg19) VCF-style: chr11-18427095-G-A.
Other names: c.636G>A, p.Val212= (NM_001135239.2); c.897G>A, p.Val299= (NM_001165414.2); c.711-1569G>A (NM_001165416.2); c.688-1691G>A (NM_001165415.2).
Identifiers: ClinVar variation 2195924 (VCV002195924.12), dbSNP rs187005834, ClinGen allele CA5911390.

ClinVar aggregate classification (germline): Conflicting classifications of pathogenicity. Review status: criteria provided, conflicting classifications (1 of 4 stars). 4 submissions from 4 submitters: Uncertain significance (1); Likely benign (3). Last evaluated 2026-01-12.

Conditions:
Glycogen storage disease due to lactate dehydrogenase M-subunit deficiency (GSD11). Also called: Glycogen storage disease XI; GSD XI; LACTATE DEHYDROGENASE A DEFICIENCY. Identifiers: Orphanet 284426, MedGen C2931743, MONDO:0013047, OMIM 612933.

Allele frequency attached by ClinVar (database versions not stated): ExAC 0.00003; gnomAD 0.00003; gnomAD exomes 0.00003; TOPMed 0.00005; ESP Exome Variant Server 0.00015; 1000 Genomes Project 30x 0.00016; 1000 Genomes Project 0.00020.

Submissions (4):

Labcorp Genetics (formerly Invitae), Labcorp
Classification: Likely benign for Glycogen storage disease due to lactate dehydrogenase M-subunit deficiency. Last evaluated: 2026-01-12. Review status: criteria provided, single submitter. Criteria: Invitae Variant Classification Sherloc (09022015). Collection method: clinical testing. Allele origin: germline.

CeGaT Center for Human Genetics Tuebingen
Classification: Likely benign. Last evaluated: 2025-10-01. Review status: criteria provided, single submitter. Criteria: CeGaT Center For Human Genetics Tuebingen Variant Classification Criteria Version 2. Collection method: clinical testing. Allele origin: germline. Affected: yes. Observed: 1 variant allele.
Comment: LDHA: BP4, BP7

Blueprint Genetics
Classification: Likely benign. Last evaluated: 2024-10-07. Review status: criteria provided, single submitter. Criteria: ACMG Guidelines, 2015. Collection method: clinical testing. Allele origin: germline.

Fulgent Genetics
Classification: Uncertain significance for Glycogen storage disease due to lactate dehydrogenase M-subunit deficiency. Last evaluated: 2024-02-21. Review status: criteria provided, single submitter. Criteria: ACMG Guidelines, 2015. Collection method: clinical testing. Allele origin: germline.